The following is an entry in ClinVar:

ClinVar aggregate classification (germline): Uncertain significance (1 of 4 stars; one submission).

Conditions:
Hereditary cancer-predisposing syndrome. Also called: Hereditary Cancer Syndrome; Hereditary neoplastic syndrome; Neoplastic Syndromes, Hereditary; Tumor predisposition. Identifiers: Orphanet 140162, MedGen C0027672, MeSH D009386, MONDO:0015356.

Submission:

Ambry Genetics
Classification: Uncertain significance for Hereditary cancer-predisposing syndrome. Last evaluated: 2021-12-28. Review status: criteria provided, single submitter. Criteria: Ambry Variant Classification Scheme 2023. Collection method: clinical testing. Allele origin: germline.
Comment: The p.N3221H variant (also known as c.9661A>C), located in coding exon 26 of the BRCA2 gene, results from an A to C substitution at nucleotide position 9661. The asparagine at codon 3221 is replaced by histidine, an amino acid with similar properties. This amino acid position is not well conserved in available vertebrate species. In addition, this alteration is predicted to be tolerated by in silico analysis. Since supporting evidence is limited at this time, the clinical significance of this alteration remains unclear.

NM_000059.4(BRCA2):c.9661A>C (p.Asn3221His)

Gene: BRCA2 (BRCA2 DNA repair associated; plus strand). Cytogenetic location: 13q13.1.
Variant type: single nucleotide variant.
Coding change: c.9661A>C on transcript NM_000059.4 (MANE Select); coding-DNA position 9661, A replaced by C.
Protein change: p.Asn3221His; replaces asparagine 3221 with histidine.
Molecular consequence: missense variant.
Genome position (GRCh38, 1-based): chr13:32,398,174, A>C. VCF-style: chr13-32398174-A-C. GRCh37 (hg19) VCF-style: chr13-32972311-A-C.
Other names: c.9565A>C, p.Asn3189His (NM_001406719.1); c.9610A>C, p.Asn3204His (NM_001406720.1); c.4729A>C, p.Asn1577His (NM_001406721.1); c.3244A>C, p.Asn1082His (NM_001406722.1); short protein forms N1082H, N3204H, N1577H, N3189H, N3221H.
Identifiers: ClinVar variation 1767704 (VCV001767704.2), dbSNP rs2137662612, ClinGen allele CA387765114.